The following is an entry in ClinVar:

ClinVar aggregate classification (germline): Uncertain significance. Review status: criteria provided, multiple submitters, no conflicts (2 of 4 stars). 4 submissions from 3 submitters: Uncertain significance (4). Last evaluated 2026-05-23.

Conditions:
Inborn genetic diseases. Identifiers: MedGen C0950123, MeSH D030342.
Schwartz-Jampel syndrome. Also called: Myotonic myopathy dwarfism chondrodystrophy and ocular and facial abnormalities. Identifiers: Orphanet 800, MedGen C0036391, MONDO:0009717.
Lethal Kniest-like syndrome (DDSH). Also called: Dyssegmental Dysplasia. Identifiers: Orphanet 1865, MedGen C1857100, MONDO:0009140, OMIM 224410.

Allele frequency attached by ClinVar (database versions not stated): TOPMed below 0.00001; ExAC 0.00001; gnomAD 0.00001; ESP Exome Variant Server 0.00008; gnomAD exomes 0.00001.
gnomAD v4.1: 13 of 1,613,870 alleles (0.00081%); highest among the groups gnomAD compares: Non-Finnish European, 0.0011%; no homozygotes.

Submissions (4):

Ambry Genetics
Classification: Uncertain significance for Inborn genetic diseases. Last evaluated: 2026-05-23. Review status: criteria provided, single submitter. Criteria: Ambry Variant Classification Scheme 2023. Collection method: clinical testing. Allele origin: germline.

GeneDx
Classification: Uncertain significance. Last evaluated: 2025-03-17. Review status: criteria provided, single submitter. Criteria: GeneDx Variant Classification Process June 2021. Collection method: clinical testing. Allele origin: germline. Affected: yes.
Comment: Not observed at significant frequency in large population cohorts (gnomAD); In silico analysis indicates that this missense variant does not alter protein structure/function; Has not been previously published as pathogenic or benign to our knowledge

Illumina Laboratory Services, Illumina
Classification: Uncertain significance for Lethal Kniest-like syndrome. Last evaluated: 2018-01-13. Review status: criteria provided, single submitter. Criteria: ICSL Variant Classification Criteria 13 December 2019. Collection method: clinical testing. Allele origin: germline.

Illumina Laboratory Services, Illumina
Classification: Uncertain significance for Schwartz-Jampel syndrome type 1. Last evaluated: 2018-01-13. Review status: criteria provided, single submitter. Criteria: ICSL Variant Classification Criteria 13 December 2019. Collection method: clinical testing. Allele origin: germline.

NM_005529.7(HSPG2):c.2147T>C (p.Val716Ala)

Gene: HSPG2 (heparan sulfate proteoglycan 2; minus strand). Cytogenetic location: 1p36.12.
Variant type: single nucleotide variant.
Coding change: c.2147T>C on transcript NM_005529.7 (MANE Select); coding-DNA position 2147, T replaced by C.
Protein change: p.Val716Ala; replaces valine 716 with alanine.
Molecular consequence: missense variant.
Genome position (GRCh38, 1-based): chr1:21,880,411, A>G on the plus strand (T>C on the coding strand, the complement: HSPG2 is on the minus strand). VCF-style: chr1-21880411-A-G. GRCh37 (hg19) VCF-style: chr1-22206904-A-G.
Other names: c.2150T>C, p.Val717Ala (NM_001291860.2); short protein forms V717A, V716A.
Identifiers: ClinVar variation 875767 (VCV000875767.6), dbSNP rs374685217, ClinGen allele CA673177.